The following is an entry in ClinVar:

ClinVar aggregate classification (germline): Uncertain significance (1 of 4 stars; one submission).

Submission:

Labcorp Genetics (formerly Invitae), Labcorp
Classification: Uncertain significance. Last evaluated: 2022-03-31. Review status: criteria provided, single submitter. Criteria: Invitae Variant Classification Sherloc (09022015). Collection method: clinical testing. Allele origin: germline.
Comment: In summary, the available evidence is currently insufficient to determine the role of this variant in disease. Therefore, it has been classified as a Variant of Uncertain Significance. Algorithms developed to predict the effect of missense changes on protein structure and function (SIFT, PolyPhen-2, Align-GVGD) all suggest that this variant is likely to be tolerated. This variant has not been reported in the literature in individuals affected with ADGRV1-related conditions. This variant is not present in population databases (gnomAD no frequency). This sequence change replaces valine, which is neutral and non-polar, with leucine, which is neutral and non-polar, at codon 4731 of the ADGRV1 protein (p.Val4731Leu).

NM_032119.4(ADGRV1):c.14191G>C (p.Val4731Leu)

Gene: ADGRV1 (adhesion G protein-coupled receptor V1; plus strand). Cytogenetic location: 5q14.3.
Variant type: single nucleotide variant.
Coding change: c.14191G>C on transcript NM_032119.4 (MANE Select); coding-DNA position 14191, G replaced by C.
Protein change: p.Val4731Leu; replaces valine 4731 with leucine.
Molecular consequence: missense variant. On other transcripts: non-coding transcript variant (1).
Genome position (GRCh38, 1-based): chr5:90,791,020, G>C. VCF-style: chr5-90791020-G-C. GRCh37 (hg19) VCF-style: chr5-90086837-G-C.
Other names: short protein forms V4731L.
Identifiers: ClinVar variation 2119796 (VCV002119796.4), dbSNP rs770972847, ClinGen allele CA360400448.